The following is an entry in ClinVar:

NM_147127.5(EVC2):c.20G>A (p.Arg7Gln)

Gene: EVC2 (EvC ciliary complex subunit 2; minus strand). Cytogenetic location: 4p16.2.
Variant type: single nucleotide variant.
Coding change: c.20G>A on transcript NM_147127.5 (MANE Select); coding-DNA position 20, G replaced by A.
Protein change: p.Arg7Gln; replaces arginine 7 with glutamine.
Molecular consequence: missense variant. On other transcripts: intron variant (1).
Genome position (GRCh38, 1-based): chr4:5,708,494, C>T on the plus strand (G>A on the coding strand, the complement: EVC2 is on the minus strand). VCF-style: chr4-5708494-C-T. GRCh37 (hg19) VCF-style: chr4-5710221-C-T.
Other names: c.-13+335G>A (NM_001166136.2); short protein forms R7Q.
Identifiers: ClinVar variation 3343561 (VCV003343561.2).

ClinVar aggregate classification (germline): Uncertain significance. Review status: criteria provided, multiple submitters, no conflicts (2 of 4 stars). 2 submissions from 2 submitters: Uncertain significance (2). Last evaluated 2025-11-12.

Conditions:
Inborn genetic diseases. Identifiers: MedGen C0950123, MeSH D030342.

gnomAD v4.1: 5 of 1,479,636 alleles (0.00034%); highest among the groups gnomAD compares: African/African-American, 0.0059%; no homozygotes.

Submissions (2):

Ambry Genetics
Classification: Uncertain significance for Inborn genetic diseases. Last evaluated: 2025-11-12. Review status: criteria provided, single submitter. Criteria: Ambry Variant Classification Scheme 2023. Collection method: clinical testing. Allele origin: germline.

GeneDx
Classification: Uncertain significance. Last evaluated: 2023-05-17. Review status: criteria provided, single submitter. Criteria: GeneDx Variant Classification Process June 2021. Collection method: clinical testing. Allele origin: germline. Affected: yes.
Comment: Not observed at significant frequency in large population cohorts (gnomAD); In silico analysis supports that this missense variant does not alter protein structure/function; Has not been previously published as pathogenic or benign to our knowledge